The following is an entry in ClinVar:

ClinVar aggregate classification (germline): Benign. Review status: criteria provided, multiple submitters, no conflicts (2 of 4 stars). 2 submissions from 2 submitters: Benign (2). Last evaluated 2018-06-14.

Allele frequency attached by ClinVar (database versions not stated): gnomAD 0.51725 and 0.51793; 1000 Genomes Project 30x 0.52983; TOPMed 0.51408; 1000 Genomes Project 0.53175.

Submissions (2):

GeneDx
Classification: Benign. Last evaluated: 2018-06-14. Review status: criteria provided, single submitter. Criteria: GeneDx Variant Classification (06012015). Collection method: clinical testing. Allele origin: germline. Affected: yes.
Comment: This variant is considered likely benign or benign based on one or more of the following criteria: it is a conservative change, it occurs at a poorly conserved position in the protein, it is predicted to be benign by multiple in silico algorithms, and/or has population frequency not consistent with disease.

Breakthrough Genomics
Classification: Benign. Review status: criteria provided, single submitter. Criteria: ACMG Guidelines, 2015. Collection method: not provided. Allele origin: germline. Inheritance: Autosomal recessive inheritance. Affected: yes.

NM_003331.5(TYK2):c.1368-237A>C

Gene: TYK2 (tyrosine kinase 2; minus strand). Cytogenetic location: 19p13.2.
Variant type: single nucleotide variant.
Coding change: c.1368-237A>C on transcript NM_003331.5 (MANE Select); 237 bases into the intron before coding-DNA position 1368, A replaced by C.
Molecular consequence: intron variant.
Genome position (GRCh38, 1-based): chr19:10,362,894, T>G on the plus strand (A>C on the coding strand, the complement: TYK2 is on the minus strand). VCF-style: chr19-10362894-T-G. GRCh37 (hg19) VCF-style: chr19-10473570-T-G.
Identifiers: ClinVar variation 677150 (VCV000677150.2), dbSNP rs91755, ClinGen allele CA14670355.